The following is an entry in ClinVar:

NM_000535.7(PMS2):c.1568C>G (p.Ser523Cys)

Gene: PMS2 (PMS1 homolog 2, mismatch repair system component; minus strand). Cytogenetic location: 7p22.1.
Variant type: single nucleotide variant.
Coding change: c.1568C>G on transcript NM_000535.7 (MANE Select); coding-DNA position 1568, C replaced by G.
Protein change: p.Ser523Cys; replaces serine 523 with cysteine.
Molecular consequence: missense variant. On other transcripts: non-coding transcript variant (1).
Genome position (GRCh38, 1-based): chr7:5,987,197, G>C on the plus strand (C>G on the coding strand, the complement: PMS2 is on the minus strand). VCF-style: chr7-5987197-G-C. GRCh37 (hg19) VCF-style: chr7-6026828-G-C.
Other names: c.1163C>G, p.Ser388Cys (NM_001322003.2, NM_001322004.2, NM_001322005.2 and 1 more transcripts); c.1412C>G, p.Ser471Cys (NM_001322006.2); c.1250C>G, p.Ser417Cys (NM_001322007.2, NM_001322008.2); c.1007C>G, p.Ser336Cys (NM_001322010.2); c.635C>G, p.Ser212Cys (NM_001322011.2, NM_001322012.2); c.995C>G, p.Ser332Cys (NM_001322013.2); c.1568C>G, p.Ser523Cys (NM_001322014.2); c.1259C>G, p.Ser420Cys (NM_001322015.2); short protein forms S212C, S417C, S332C, S336C, S388C, S420C, S471C, S523C.
Identifiers: ClinVar variation 661962 (VCV000661962.9), dbSNP rs1583318261, ClinGen allele CA366741570.

ClinVar aggregate classification (germline): Uncertain significance. Review status: criteria provided, multiple submitters, no conflicts (2 of 4 stars). 2 submissions from 2 submitters: Uncertain significance (2). Last evaluated 2024-06-17.

Conditions:
Hereditary nonpolyposis colorectal neoplasms. Identifiers: MedGen C0009405, MeSH D003123.
Lynch syndrome 4 (LYNCH4). Also called: Hereditary non-polyposis colorectal cancer, type 4; Colorectal cancer, hereditary nonpolyposis, type 4. Identifiers: Orphanet 144, MedGen C1838333, MONDO:0013699, OMIM 614337. Disease mechanism: loss of function.

Submissions (2):

Labcorp Genetics (formerly Invitae), Labcorp
Classification: Uncertain significance for Hereditary nonpolyposis colorectal neoplasms. Last evaluated: 2024-06-17. Review status: criteria provided, single submitter. Criteria: Invitae Variant Classification Sherloc (09022015). Collection method: clinical testing. Allele origin: germline.
Comment: This sequence change replaces serine, which is neutral and polar, with cysteine, which is neutral and slightly polar, at codon 523 of the PMS2 protein (p.Ser523Cys). This variant is not present in population databases (gnomAD no frequency). This variant has not been reported in the literature in individuals affected with PMS2-related conditions. ClinVar contains an entry for this variant (Variation ID: 661962). Advanced modeling of protein sequence and biophysical properties (such as structural, functional, and spatial information, amino acid conservation, physicochemical variation, residue mobility, and thermodynamic stability) has been performed at Invitae for this missense variant, however the output from this modeling did not meet the statistical confidence thresholds required to predict the impact of this variant on PMS2 protein function. In summary, the available evidence is currently insufficient to determine the role of this variant in disease. Therefore, it has been classified as a Variant of Uncertain Significance.

Baylor Genetics
Classification: Uncertain significance for Lynch syndrome 4. Last evaluated: 2023-10-31. Review status: criteria provided, single submitter. Criteria: ACMG Guidelines, 2015. Collection method: clinical testing. Allele origin: unknown.